The following is an entry in ClinVar:

NM_000722.4(CACNA2D1):c.362A>C (p.Glu121Ala)

Gene: CACNA2D1 (calcium voltage-gated channel auxiliary subunit alpha2delta 1; minus strand). Cytogenetic location: 7q21.11.
Variant type: single nucleotide variant.
Coding change: c.362A>C on transcript NM_000722.4 (MANE Select); coding-DNA position 362, A replaced by C.
Protein change: p.Glu121Ala; replaces glutamic acid 121 with alanine.
Molecular consequence: missense variant.
Genome position (GRCh38, 1-based): chr7:82,136,669, T>G on the plus strand (A>C on the coding strand, the complement: CACNA2D1 is on the minus strand). VCF-style: chr7-82136669-T-G. GRCh37 (hg19) VCF-style: chr7-81765985-T-G.
Other names: c.362A>C, p.Glu121Ala (NM_001302890.2, NM_001366867.1); short protein forms E121A.
Identifiers: ClinVar variation 1733385 (VCV001733385.2), dbSNP rs2487478155, ClinGen allele CA368017343.

ClinVar aggregate classification (germline): Uncertain significance (1 of 4 stars; one submission).

Conditions:
Cardiovascular phenotype. Identifiers: MedGen CN230736.

Submission:

Ambry Genetics
Classification: Uncertain significance for Cardiovascular phenotype. Last evaluated: 2022-01-30. Review status: criteria provided, single submitter. Criteria: Ambry Variant Classification Scheme 2023. Collection method: clinical testing. Allele origin: germline.
Comment: The p.E121A variant (also known as c.362A>C), located in coding exon 5 of the CACNA2D1 gene, results from an A to C substitution at nucleotide position 362. The glutamic acid at codon 121 is replaced by alanine, an amino acid with dissimilar properties. This amino acid position is conserved. In addition, the in silico prediction for this alteration is inconclusive. Since supporting evidence is limited at this time, the clinical significance of this alteration remains unclear.